The following is an entry in ClinVar:

ClinVar aggregate classification (germline): Uncertain significance (1 of 4 stars; one submission).

Allele frequency attached by ClinVar (database versions not stated): gnomAD exomes below 0.00001; ExAC 0.00001.
gnomAD v4.1: 1 of 1,613,790 alleles (0.000062%); highest among the groups gnomAD compares: Non-Finnish European, 0.000085%; no homozygotes.

Submission:

Labcorp Genetics (formerly Invitae), Labcorp
Classification: Uncertain significance. Last evaluated: 2022-11-19. Review status: criteria provided, single submitter. Criteria: Invitae Variant Classification Sherloc (09022015). Collection method: clinical testing. Allele origin: germline.
Comment: In summary, the available evidence is currently insufficient to determine the role of this variant in disease. Therefore, it has been classified as a Variant of Uncertain Significance. Algorithms developed to predict the effect of missense changes on protein structure and function are either unavailable or do not agree on the potential impact of this missense change (SIFT: "Tolerated"; PolyPhen-2: "Possibly Damaging"; Align-GVGD: "Class C0"). This variant has not been reported in the literature in individuals affected with CCT2-related conditions. The frequency data for this variant in the population databases is considered unreliable, as metrics indicate poor data quality at this position in the gnomAD database. This sequence change replaces alanine, which is neutral and non-polar, with threonine, which is neutral and polar, at codon 511 of the CCT2 protein (p.Ala511Thr).

NM_006431.3(CCT2):c.1531G>A (p.Ala511Thr)

Gene: CCT2 (chaperonin containing TCP1 subunit 2; plus strand). Cytogenetic location: 12q15.
Variant type: single nucleotide variant.
Coding change: c.1531G>A on transcript NM_006431.3 (MANE Select); coding-DNA position 1531, G replaced by A.
Protein change: p.Ala511Thr; replaces alanine 511 with threonine.
Molecular consequence: missense variant.
Genome position (GRCh38, 1-based): chr12:69,599,958, G>A. VCF-style: chr12-69599958-G-A. GRCh37 (hg19) VCF-style: chr12-69993738-G-A.
Other names: c.1390G>A, p.Ala464Thr (NM_001198842.2); short protein forms A511T, A464T.
Identifiers: ClinVar variation 2815235 (VCV002815235.3), dbSNP rs772432945, ClinGen allele CA6680896.